The following is an entry in ClinVar:

ClinVar aggregate classification (germline): Uncertain significance (1 of 4 stars; one submission).

Conditions:
Mendelian susceptibility to mycobacterial diseases due to complete IL12RB1 deficiency. Also called: Immunodeficiency 30; IL12RB1 DEFICIENCY. Identifiers: Orphanet 319552, MedGen C4013949, MONDO:0013955, OMIM 614891.

Allele frequency attached by ClinVar (database versions not stated): gnomAD exomes below 0.00001; TOPMed below 0.00001; gnomAD 0.00001.
gnomAD v4.1: 5 of 1,612,348 alleles (0.00031%); highest among the groups gnomAD compares: Non-Finnish European, 0.00042%; no homozygotes.

Submission:

Labcorp Genetics (formerly Invitae), Labcorp
Classification: Uncertain significance for Mendelian susceptibility to mycobacterial diseases due to complete IL12RB1 deficiency. Last evaluated: 2021-02-27. Review status: criteria provided, single submitter. Criteria: Invitae Variant Classification Sherloc (09022015). Collection method: clinical testing. Allele origin: germline.
Comment: Algorithms developed to predict the effect of missense changes on protein structure and function (SIFT, PolyPhen-2, Align-GVGD) all suggest that this variant is likely to be disruptive, but these predictions have not been confirmed by published functional studies and their clinical significance is uncertain. In summary, the available evidence is currently insufficient to determine the role of this variant in disease. Therefore, it has been classified as a Variant of Uncertain Significance. This variant has not been reported in the literature in individuals with IL12RB1-related conditions. This variant is not present in population databases (ExAC no frequency). This sequence change replaces valine with alanine at codon 464 of the IL12RB1 protein (p.Val464Ala). The valine residue is highly conserved and there is a small physicochemical difference between valine and alanine.

NM_005535.3(IL12RB1):c.1391T>C (p.Val464Ala)

Gene: IL12RB1 (interleukin 12 receptor subunit beta 1; minus strand). Cytogenetic location: 19p13.11.
Variant type: single nucleotide variant.
Coding change: c.1391T>C on transcript NM_005535.3 (MANE Select); coding-DNA position 1391, T replaced by C.
Protein change: p.Val464Ala; replaces valine 464 with alanine.
Molecular consequence: missense variant.
Genome position (GRCh38, 1-based): chr19:18,066,634, A>G on the plus strand (T>C on the coding strand, the complement: IL12RB1 is on the minus strand). VCF-style: chr19-18066634-A-G. GRCh37 (hg19) VCF-style: chr19-18177444-A-G.
Other names: c.1391T>C, p.Val464Ala (NM_001290023.2); c.1511T>C, p.Val504Ala (NM_001290024.2); short protein forms V464A, V504A.
Identifiers: ClinVar variation 1410012 (VCV001410012.8), dbSNP rs1162752452, ClinGen allele CA404776712.